The following is an entry in ClinVar:

ClinVar aggregate classification (germline): Uncertain significance (1 of 4 stars; one submission).

Submission:

CeGaT Center for Human Genetics Tuebingen
Classification: Uncertain significance. Last evaluated: 2025-03-01. Review status: criteria provided, single submitter. Criteria: CeGaT Center For Human Genetics Tuebingen Variant Classification Criteria Version 2. Collection method: clinical testing. Allele origin: germline. Affected: yes. Observed: 1 variant allele.
Comment: SPG7: PM2:Supporting, BP4

NM_003119.4(SPG7):c.2010C>T (p.Gly670=)

Gene: SPG7 (SPG7 matrix AAA peptidase subunit, paraplegin; plus strand). Cytogenetic location: 16q24.3.
Variant type: single nucleotide variant.
Coding change: c.2010C>T on transcript NM_003119.4 (MANE Select); coding-DNA position 2010, C replaced by T.
Protein change: p.Gly670=; no amino-acid change (glycine 670 retained).
Molecular consequence: synonymous variant.
Genome position (GRCh38, 1-based): chr16:89,553,867, C>T. VCF-style: chr16-89553867-C-T. GRCh37 (hg19) VCF-style: chr16-89620275-C-T.
Other names: c.2010C>T, p.Gly670= (NM_001363850.1).
Identifiers: ClinVar variation 3778490 (VCV003778490.7).